The following is an entry in ClinVar:

ClinVar aggregate classification (germline): Uncertain significance (1 of 4 stars; one submission).

Conditions:
Hereditary spastic paraplegia 42. Also called: SPASTIC PARAPLEGIA 42, AUTOSOMAL DOMINANT. Identifiers: Orphanet 171863, MedGen C2675528, MONDO:0012928, OMIM 612539.

Submission:

3billion
Classification: Uncertain significance for Hereditary spastic paraplegia 42. Last evaluated: 2024-08-27. Review status: criteria provided, single submitter. Criteria: ACMG Guidelines, 2015. Collection method: clinical testing. Allele origin: germline. Affected: yes.
Comment: The variant is not observed in the gnomAD v4.0.0 dataset. Predicted Consequence/Location: Missense variant Damaging effect on gene or gene product predicted by in silico programs is uncertain [REVEL: 0.44 (damaging >=0.6, benign <0.4), 3Cnet: 0.00 (damaging >=0.6, benign <0.15)]. Therefore, this variant is classified as VUS according to the recommendation of ACMG/AMP guideline.

NM_004733.4(SLC33A1):c.348T>G (p.Phe116Leu)

Gene: SLC33A1 (solute carrier family 33 member 1; minus strand). Cytogenetic location: 3q25.31.
Variant type: single nucleotide variant.
Coding change: c.348T>G on transcript NM_004733.4 (MANE Select); coding-DNA position 348, T replaced by G.
Protein change: p.Phe116Leu; replaces phenylalanine 116 with leucine.
Molecular consequence: missense variant.
Genome position (GRCh38, 1-based): chr3:155,853,650, A>C on the plus strand (T>G on the coding strand, the complement: SLC33A1 is on the minus strand). VCF-style: chr3-155853650-A-C. GRCh37 (hg19) VCF-style: chr3-155571439-A-C.
Other names: c.348T>G, p.Phe116Leu (NM_001190992.2, NM_001363883.1); short protein forms F116L.
Identifiers: ClinVar variation 4294001 (VCV004294001.1).